The following is an entry in ClinVar:

ClinVar aggregate classification (germline): Conflicting classifications of pathogenicity. Review status: criteria provided, conflicting classifications (1 of 4 stars). 2 submissions from 2 submitters: Uncertain significance (1); Likely benign (1). Last evaluated 2024-11-11.

Conditions:
Inborn genetic diseases. Identifiers: MedGen C0950123, MeSH D030342.

Allele frequency attached by ClinVar (database versions not stated): gnomAD exomes below 0.00001 and 0.00003; gnomAD 0.00001; TOPMed 0.00002; ESP Exome Variant Server 0.00008.
gnomAD v4.1: 38 of 1,613,850 alleles (0.0024%); highest among the groups gnomAD compares: Non-Finnish European, 0.0031%; no homozygotes.

Submissions (2):

Ambry Genetics
Classification: Uncertain significance for Inborn genetic diseases. Last evaluated: 2024-11-11. Review status: criteria provided, single submitter. Criteria: Ambry Variant Classification Scheme 2023. Collection method: clinical testing. Allele origin: germline.

GeneDx
Classification: Likely benign. Last evaluated: 2016-04-21. Review status: criteria provided, single submitter. Criteria: GeneDx Variant Classification (06012015). Collection method: clinical testing. Allele origin: germline. Affected: yes.
Comment: This variant is considered likely benign or benign based on one or more of the following criteria: it is a conservative change, it occurs at a poorly conserved position in the protein, it is predicted to be benign by multiple in silico algorithms, and/or has population frequency not consistent with disease.

NM_012233.3(RAB3GAP1):c.2524C>T (p.Leu842Phe)

Gene: RAB3GAP1 (RAB3 GTPase activating protein catalytic subunit 1; plus strand). Cytogenetic location: 2q21.3.
Variant type: single nucleotide variant.
Coding change: c.2524C>T on transcript NM_012233.3 (MANE Select); coding-DNA position 2524, C replaced by T.
Protein change: p.Leu842Phe; replaces leucine 842 with phenylalanine.
Molecular consequence: missense variant.
Genome position (GRCh38, 1-based): chr2:135,163,019, C>T. VCF-style: chr2-135163019-C-T. GRCh37 (hg19) VCF-style: chr2-135920589-C-T.
Other names: c.2524C>T, p.Leu842Phe (NM_001172435.2); short protein forms L842F.
Identifiers: ClinVar variation 385699 (VCV000385699.2), dbSNP rs371275629, ClinGen allele CA16603796.